The following is an entry in ClinVar:

ClinVar aggregate classification (germline): Uncertain significance. Review status: criteria provided, multiple submitters, no conflicts (2 of 4 stars). 2 submissions from 2 submitters: Uncertain significance (2). Last evaluated 2025-10-14.

gnomAD v4.1: 18 of 1,559,304 alleles (0.0012%); highest among the groups gnomAD compares: South Asian, 0.0095%; no homozygotes.

Submissions (2):

Labcorp Genetics (formerly Invitae), Labcorp
Classification: Uncertain significance. Last evaluated: 2025-10-14. Review status: criteria provided, single submitter. Criteria: Invitae Variant Classification Sherloc (09022015). Collection method: clinical testing. Allele origin: germline.
Comment: This sequence change replaces aspartic acid, which is acidic and polar, with asparagine, which is neutral and polar, at codon 508 of the CRAT protein (p.Asp508Asn). The frequency data for this variant in the population databases is considered unreliable, as metrics indicate poor data quality at this position in the gnomAD database. This variant has not been reported in the literature in individuals affected with CRAT-related conditions. ClinVar contains an entry for this variant (Variation ID: 3077241). Invitae Evidence Modeling of protein sequence and biophysical properties (such as structural, functional, and spatial information, amino acid conservation, physicochemical variation, residue mobility, and thermodynamic stability) indicates that this missense variant is not expected to disrupt CRAT protein function with a negative predictive value of 80%. In summary, the available evidence is currently insufficient to determine the role of this variant in disease. Therefore, it has been classified as a Variant of Uncertain Significance.

Ambry Genetics
Classification: Uncertain significance. Last evaluated: 2024-01-29. Review status: criteria provided, single submitter. Criteria: Ambry Variant Classification Scheme 2023. Collection method: clinical testing. Allele origin: germline.

NM_000755.5(CRAT):c.1522G>A (p.Asp508Asn)

Gene: CRAT (carnitine O-acetyltransferase; minus strand). Cytogenetic location: 9q34.11.
Variant type: single nucleotide variant.
Coding change: c.1522G>A on transcript NM_000755.5 (MANE Select); coding-DNA position 1522, G replaced by A.
Protein change: p.Asp508Asn; replaces aspartic acid 508 with asparagine.
Molecular consequence: missense variant.
Genome position (GRCh38, 1-based): chr9:129,097,255, C>T on the plus strand (G>A on the coding strand, the complement: CRAT is on the minus strand). VCF-style: chr9-129097255-C-T. GRCh37 (hg19) VCF-style: chr9-131859534-C-T.
Other names: c.1459G>A, p.Asp487Asn (NM_001257363.3, NM_001346548.2, NM_004003.4); c.1525G>A, p.Asp509Asn (NM_001346546.2); c.1522G>A, p.Asp508Asn (NM_001346547.2); c.1402G>A, p.Asp468Asn (NM_001346549.2); short protein forms D468N, D509N, D508N, D487N.
Identifiers: ClinVar variation 3077241 (VCV003077241.2), dbSNP rs764225834, ClinGen allele CA5275344.
Genomic context (GRCh38, chr9:129,097,255, plus strand): 5'-AGACAGATGGCTGACACTAAGGGACAAGTGAGTAGGCACAAGCGGGCTCACTTACCCGGT[C>T]GGTGTAGCCTCGGTGGGCCTGCACGGCCTTCCGCAGCAGCTCCACCTTCTGGTGCTCCTA-3'
Protein context (NP_000746.3, residues 498-518): KAVQAHRGYT[Asp508Asn]RAIRGEAFDR